The following is an entry in ClinVar:

ClinVar aggregate classification (germline): Uncertain significance (1 of 4 stars; one submission).

Submission:

Labcorp Genetics (formerly Invitae), Labcorp
Classification: Uncertain significance. Last evaluated: 2025-11-03. Review status: criteria provided, single submitter. Criteria: Invitae Variant Classification Sherloc (09022015). Collection method: clinical testing. Allele origin: germline.
Comment: This sequence change replaces valine, which is neutral and non-polar, with glycine, which is neutral and non-polar, at codon 1197 of the DCHS1 protein (p.Val1197Gly). This variant is present in population databases (rs373116509, gnomAD 0.0009%). This variant has not been reported in the literature in individuals affected with DCHS1-related conditions. Invitae Evidence Modeling of protein sequence and biophysical properties (such as structural, functional, and spatial information, amino acid conservation, physicochemical variation, residue mobility, and thermodynamic stability) indicates that this missense variant is expected to disrupt DCHS1 protein function with a positive predictive value of 80%. In summary, the available evidence is currently insufficient to determine the role of this variant in disease. Therefore, it has been classified as a Variant of Uncertain Significance.

NM_003737.4(DCHS1):c.3590T>G (p.Val1197Gly)

Gene: DCHS1 (dachsous cadherin-related 1; minus strand). Cytogenetic location: 11p15.4.
Variant type: single nucleotide variant.
Coding change: c.3590T>G on transcript NM_003737.4 (MANE Select); coding-DNA position 3590, T replaced by G.
Protein change: p.Val1197Gly; replaces valine 1197 with glycine.
Molecular consequence: missense variant.
Genome position (GRCh38, 1-based): chr11:6,631,701, A>C on the plus strand (T>G on the coding strand, the complement: DCHS1 is on the minus strand). VCF-style: chr11-6631701-A-C. GRCh37 (hg19) VCF-style: chr11-6652932-A-C.
Other names: short protein forms V1197G.
Identifiers: ClinVar variation 4809471 (VCV004809471.1).
Genomic context (GRCh38, chr11:6,631,701, plus strand): 5'-GCTCCTGAAGCCTGCAGGAACGTGGGGCTGTTGTCGTTGAGGTCAAGCACTGCAACATGC[A>C]CAGTGCCTGTGGTGCTGCGGGGTGGGCTCCCTCCATCCTGCACCTGCACCAGGAGCTGAT-3'
Protein context (NP_003728.1, residues 1187-1207): GSPPRSTTGT[Val1197Gly]HVAVLDLNDN